The following is an entry in ClinVar:

NM_001374828.1(ARID1B):c.6124C>A (p.Leu2042Met)

Gene: ARID1B (AT-rich interaction domain 1B; plus strand). Cytogenetic location: 6q25.3.
Variant type: single nucleotide variant.
Coding change: c.6124C>A on transcript NM_001374828.1 (MANE Select); coding-DNA position 6124, C replaced by A.
Protein change: p.Leu2042Met; replaces leucine 2042 with methionine.
Molecular consequence: missense variant.
Genome position (GRCh38, 1-based): chr6:157,206,896, C>A. VCF-style: chr6-157206896-C-A. GRCh37 (hg19) VCF-style: chr6-157528030-C-A.
Other names: c.5755C>A, p.Leu1919Met (NM_020732.3); c.3625C>A, p.Leu1209Met (NM_001363725.2); c.6004C>A, p.Leu2002Met (NM_001371656.1, NM_001374820.1); c.5965C>A, p.Leu1989Met (NM_017519.3); short protein forms L1919M, L1209M, L1989M, L2002M, L2042M.
Identifiers: ClinVar variation 588202 (VCV000588202.5), dbSNP rs1562352930, ClinGen allele CA366247589.

ClinVar aggregate classification (germline): Uncertain significance (1 of 4 stars; one submission).

Conditions:
Inborn genetic diseases. Identifiers: MedGen C0950123, MeSH D030342.

Allele frequency attached by ClinVar (database versions not stated): gnomAD exomes below 0.00001.
gnomAD v4.1: 5 of 1,614,178 alleles (0.00031%); highest among the groups gnomAD compares: Non-Finnish European, 0.00034%; no homozygotes.

Submission:

Ambry Genetics
Classification: Uncertain significance for Inborn genetic diseases. Last evaluated: 2016-08-29. Review status: criteria provided, single submitter. Criteria: Ambry Variant Classification Scheme 2023. Collection method: clinical testing. Allele origin: germline.
Comment: The p.L1919M variant (also known as c.5755C>A), located in coding exon 20 of the ARID1B gene, results from a C to A substitution at nucleotide position 5755. The leucine at codon 1919 is replaced by methionine, an amino acid with highly similar properties. This variant was not reported in population based cohorts in the following databases: Database of Single Nucleotide Polymorphisms (dbSNP), NHLBI Exome Sequencing Project (ESP), and 1000 Genomes Project. In the ESP, this variant was not observed in 6499 samples (12998 alleles) with coverage at this position. This amino acid position is highly conserved in available vertebrate species. In addition, this alteration is predicted to be tolerated by in silico analysis. Since supporting evidence is limited at this time, the clinical significance of this variant remains unclear.